The following is an entry in ClinVar:

ClinVar aggregate classification (germline): Uncertain significance. Review status: criteria provided, multiple submitters, no conflicts (2 of 4 stars). 2 submissions from 2 submitters: Uncertain significance (2). Last evaluated 2024-12-02.

Allele frequency attached by ClinVar (database versions not stated): gnomAD exomes 0.00002 and 0.00003; TOPMed 0.00002; ExAC 0.00003; gnomAD 0.00003 and 0.00004.
gnomAD v4.1: 41 of 1,593,764 alleles (0.0026%); highest among the groups gnomAD compares: Non-Finnish European, 0.0021%; no homozygotes.

Submissions (2):

Labcorp Genetics (formerly Invitae), Labcorp
Classification: Uncertain significance. Last evaluated: 2024-12-02. Review status: criteria provided, single submitter. Criteria: Invitae Variant Classification Sherloc (09022015). Collection method: clinical testing. Allele origin: germline.
Comment: This sequence change replaces glycine, which is neutral and non-polar, with arginine, which is basic and polar, at codon 260 of the POC1B protein (p.Gly260Arg). This variant is present in population databases (rs759662875, gnomAD 0.02%). This variant has not been reported in the literature in individuals affected with POC1B-related conditions. ClinVar contains an entry for this variant (Variation ID: 1347027). Invitae Evidence Modeling of protein sequence and biophysical properties (such as structural, functional, and spatial information, amino acid conservation, physicochemical variation, residue mobility, and thermodynamic stability) indicates that this missense variant is expected to disrupt POC1B protein function with a positive predictive value of 80%. In summary, the available evidence is currently insufficient to determine the role of this variant in disease. Therefore, it has been classified as a Variant of Uncertain Significance.

Blueprint Genetics
Classification: Uncertain significance. Last evaluated: 2024-11-05. Review status: criteria provided, single submitter. Criteria: ACMG Guidelines, 2015. Collection method: clinical testing. Allele origin: germline.

NM_172240.3(POC1B):c.778G>A (p.Gly260Arg)

Genes: POC1B (POC1 centriolar protein B; minus strand), POC1B-DUSP6 (POC1B-DUSP6 readthrough; minus strand). Cytogenetic location: 12q21.33.
Variant type: single nucleotide variant.
Coding change: c.778G>A on transcript NM_172240.3 (MANE Select); coding-DNA position 778, G replaced by A.
Protein change: p.Gly260Arg; replaces glycine 260 with arginine.
Molecular consequence: missense variant. On other transcripts: non-coding transcript variant (2).
Genome position (GRCh38, 1-based): chr12:89,470,393, C>T on the plus strand (G>A on the coding strand, the complement: POC1B is on the minus strand). VCF-style: chr12-89470393-C-T. GRCh37 (hg19) VCF-style: chr12-89864170-C-T.
Other names: c.652G>A, p.Gly218Arg (NM_001199777.2); short protein forms G218R, G260R.
Identifiers: ClinVar variation 1347027 (VCV001347027.8), dbSNP rs759662875, ClinGen allele CA6714408.
Genomic context (GRCh38, chr12:89,470,393, plus strand): 5'-TAAAAAGCAAGAATCTGAGTGTTAATACCGTATGTCCTTGAAGTGTATAGATGAGCCTTC[C>T]TTCTAAGAGGTCCAGAATCTTAAGGGTACCATCTGAAGAAGCTGTGATGAGATAGTTACC-3'
Protein context (NP_758440.1, residues 250-270): GTLKILDLLE[Gly260Arg]RLIYTLQGHT